The following is an entry in ClinVar:

ClinVar aggregate classification (germline): Uncertain significance. Review status: criteria provided, multiple submitters, no conflicts (2 of 4 stars). 2 submissions from 2 submitters: Uncertain significance (2). Last evaluated 2025-04-25.

Submissions (2):

Ambry Genetics
Classification: Uncertain significance. Last evaluated: 2025-04-25. Review status: criteria provided, single submitter. Criteria: Ambry Variant Classification Scheme 2023. Collection method: clinical testing. Allele origin: germline.

Labcorp Genetics (formerly Invitae), Labcorp
Classification: Uncertain significance. Last evaluated: 2025-04-14. Review status: criteria provided, single submitter. Criteria: Invitae Variant Classification Sherloc (09022015). Collection method: clinical testing. Allele origin: germline.
Comment: This sequence change replaces asparagine, which is neutral and polar, with isoleucine, which is neutral and non-polar, at codon 1065 of the TOP2B protein (p.Asn1065Ile). This variant is not present in population databases (gnomAD no frequency). This variant has not been reported in the literature in individuals affected with TOP2B-related conditions. ClinVar contains an entry for this variant (Variation ID: 2745582). An algorithm developed to predict the effect of missense changes on protein structure and function (PolyPhen-2) suggests that this variant is likely to be tolerated. In summary, the available evidence is currently insufficient to determine the role of this variant in disease. Therefore, it has been classified as a Variant of Uncertain Significance.

NM_001330700.2(TOP2B):c.3209A>T (p.Asn1070Ile)

Gene: TOP2B (DNA topoisomerase II beta; minus strand). Cytogenetic location: 3p24.2.
Variant type: single nucleotide variant.
Coding change: c.3209A>T on transcript NM_001330700.2 (MANE Select); coding-DNA position 3209, A replaced by T.
Protein change: p.Asn1070Ile; replaces asparagine 1070 with isoleucine.
Molecular consequence: missense variant.
Genome position (GRCh38, 1-based): chr3:25,618,704, T>A on the plus strand (A>T on the coding strand, the complement: TOP2B is on the minus strand). VCF-style: chr3-25618704-T-A. GRCh37 (hg19) VCF-style: chr3-25660195-T-A.
Other names: c.3194A>T, p.Asn1065Ile (NM_001068.3); c.3194A>T (NM_001068.2); short protein forms N1070I, N1065I.
Identifiers: ClinVar variation 2745582 (VCV002745582.4), dbSNP rs2470323260, ClinGen allele CA351896868.
Genomic context (GRCh38, chr3:25,618,704, plus strand): 5'-TGTATCTTACCTATAGTAATTTTCCCTTGTATCTTCTCTAAAATGAAACGGGCTTGATTG[T>A]TAAGCTTTGTAGATTCTGCTCCCAACATTCCCACAAGCCACTCCTTACGTAAACCGTAAT-3'
Protein context (NP_001317629.1, residues 1060-1080): GMLGAESTKL[Asn1070Ile]NQARFILEKI